The following is an entry in ClinVar:

NM_198076.6(COX20):c.37_38del (p.Arg13fs)

Genes: COX20 (cytochrome c oxidase assembly factor COX20; plus strand), LOC129932912 (ATAC-STARR-seq lymphoblastoid silent region 2019; plus strand). Cytogenetic location: 1q44.
Variant type: Microsatellite.
Coding change: c.37_38del on transcript NM_198076.6 (MANE Select); coding-DNA positions 37 to 38, 2 bases deleted (AG; older notation c.37_38delAG).
Protein change: p.Arg13fs; shifts the reading frame from arginine 13.
Molecular consequence: frameshift variant. On other transcripts: non-coding transcript variant (1), intron variant (1).
Genome position (GRCh38, 1-based): chr1:244,835,751-244,835,752, AG deleted; deleting any 2 consecutive bases within chr1:244,835,748-244,835,752 gives the same sequence; the c. name uses the placement nearest the transcript's 3' end. VCF-style (leftmost placement, unchanged base first): chr1-244835747-GGA-G. GRCh37 (hg19) VCF-style: chr1-244999049-GGA-G.
Other names: c.22+15_22+16del (NM_001312873.1); c.37_38del, p.Arg13fs (NM_001312871.1, NM_001312872.1, NM_001312874.1); short protein forms R13fs.
Identifiers: ClinVar variation 5006434 (VCV005006434.2).

ClinVar aggregate classification (germline): Likely pathogenic (1 of 4 stars; one submission).

Conditions:
Mitochondrial complex IV deficiency, nuclear type 11. Also called: Mitochondrial complex 4 deficiency, nuclear type 11. Identifiers: MedGen C5436694, MONDO:0033645, OMIM 619054.

Submission:

Juno Genomics, Hangzhou Juno Genomics, Inc
Classification: Likely pathogenic for Mitochondrial complex IV deficiency, nuclear type 11. Review status: criteria provided, single submitter. Criteria: ACMG Guidelines, 2015. Collection method: clinical testing. Allele origin: germline.
Comment: Null variant in a gene where loss of function (LOF) is a known mechanism of disease.;Absent from controls (or at extremely low frequency if recessive) in Genome Aggregation Database.